The following is an entry in ClinVar:

NM_000027.4(AGA):c.622+8G>T

Gene: AGA (aspartylglucosaminidase; minus strand). Cytogenetic location: 4q34.3.
Variant type: single nucleotide variant.
Coding change: c.622+8G>T on transcript NM_000027.4 (MANE Select); 8 bases into the intron after coding-DNA position 622, G replaced by T.
Molecular consequence: intron variant.
Genome position (GRCh38, 1-based): chr4:177,437,397, C>A on the plus strand (G>T on the coding strand, the complement: AGA is on the minus strand). VCF-style: chr4-177437397-C-A. GRCh37 (hg19) VCF-style: chr4-178358551-C-A.
Other names: c.622+8G>T (NM_001171988.2).
Identifiers: ClinVar variation 3030623 (VCV003030623.2), dbSNP rs2476862353, ClinGen allele CA2740091590.

ClinVar aggregate classification (germline): Likely benign (0 of 4 stars; one submission).

Conditions:
AGA-related disorder. Also called: AGA-related condition.

Submission:

PreventionGenetics, part of Exact Sciences
Classification: Likely benign for AGA-related condition. Last evaluated: 2021-03-08. Review status: no assertion criteria provided. Collection method: clinical testing. Allele origin: germline.
Comment: This variant is classified as likely benign based on ACMG/AMP sequence variant interpretation guidelines (Richards et al. 2015 PMID: 25741868, with internal and published modifications).